The following is an entry in ClinVar:

ClinVar aggregate classification (germline): Uncertain significance. Review status: criteria provided, multiple submitters, no conflicts (2 of 4 stars). 3 submissions from 3 submitters: Uncertain significance (3). Last evaluated 2025-07-19.

Conditions:
Inborn genetic diseases. Identifiers: MedGen C0950123, MeSH D030342.
Mosaic variegated aneuploidy syndrome 2 (MVA2). Identifiers: Orphanet 1052, MedGen C3279843, MONDO:0013582, OMIM 614114.

Allele frequency attached by ClinVar (database versions not stated): gnomAD exomes 0.00004 and 0.00009; ExAC 0.00014; 1000 Genomes Project 0.00020; gnomAD 0.00044 and 0.00051; 1000 Genomes Project 30x 0.00047; TOPMed 0.00052; ESP Exome Variant Server 0.00054.
gnomAD v4.1: 132 of 1,612,742 alleles (0.0082%); highest among the groups gnomAD compares: African/African-American, 0.17%; no homozygotes.

Submissions (3):

Labcorp Genetics (formerly Invitae), Labcorp
Classification: Uncertain significance for Mosaic variegated aneuploidy syndrome 2. Last evaluated: 2025-07-19. Review status: criteria provided, single submitter. Criteria: Invitae Variant Classification Sherloc (09022015). Collection method: clinical testing. Allele origin: germline.
Comment: This sequence change replaces glutamic acid, which is acidic and polar, with alanine, which is neutral and non-polar, at codon 137 of the CEP57 protein (p.Glu137Ala). This variant is present in population databases (rs147712450, gnomAD 0.1%). This variant has not been reported in the literature in individuals affected with CEP57-related conditions. ClinVar contains an entry for this variant (Variation ID: 962319). Invitae Evidence Modeling of protein sequence and biophysical properties (such as structural, functional, and spatial information, amino acid conservation, physicochemical variation, residue mobility, and thermodynamic stability) indicates that this missense variant is expected to disrupt CEP57 protein function with a positive predictive value of 80%. In summary, the available evidence is currently insufficient to determine the role of this variant in disease. Therefore, it has been classified as a Variant of Uncertain Significance.

GeneDx
Classification: Uncertain significance. Last evaluated: 2025-05-24. Review status: criteria provided, single submitter. Criteria: GeneDx Variant Classification Process June 2021. Collection method: clinical testing. Allele origin: germline. Affected: yes.
Comment: In silico analysis supports that this missense variant has a deleterious effect on protein structure/function; Has not been previously published as pathogenic or benign to our knowledge

Ambry Genetics
Classification: Uncertain significance for Inborn genetic diseases. Last evaluated: 2024-11-18. Review status: criteria provided, single submitter. Criteria: Ambry Variant Classification Scheme 2023. Collection method: clinical testing. Allele origin: germline.
Comment: The p.E137A variant (also known as c.410A>C), located in coding exon 4 of the CEP57 gene, results from an A to C substitution at nucleotide position 410. The glutamic acid at codon 137 is replaced by alanine, an amino acid with dissimilar properties. This amino acid position is conserved. In addition, the in silico prediction for this alteration is inconclusive. Based on the available evidence, the clinical significance of this variant remains unclear.

NM_014679.5(CEP57):c.410A>C (p.Glu137Ala)

Gene: CEP57 (centrosomal protein 57; plus strand). Cytogenetic location: 11q21.
Variant type: single nucleotide variant.
Coding change: c.410A>C on transcript NM_014679.5 (MANE Select); coding-DNA position 410, A replaced by C.
Protein change: p.Glu137Ala; replaces glutamic acid 137 with alanine.
Molecular consequence: missense variant.
Genome position (GRCh38, 1-based): chr11:95,813,495, A>C. VCF-style: chr11-95813495-A-C. GRCh37 (hg19) VCF-style: chr11-95546659-A-C.
Other names: c.383A>C, p.Glu128Ala (NM_001243776.2); c.410A>C, p.Glu137Ala (NM_001243777.2); c.329A>C, p.Glu110Ala (NM_001363604.2); short protein forms E137A, E128A, E110A.
Identifiers: ClinVar variation 962319 (VCV000962319.11), dbSNP rs147712450, ClinGen allele CA6239468.
Genomic context (GRCh38, chr11:95,813,495, plus strand): 5'-TTGATTTCTGCTTTTCTTATGTATTCTTTTTAGAACTGACATCTCAGTTGTTAGCTGCAG[A>C]AAATAAATGCAATCTATTAGAAAAACAATTGGAATACATGCGAAATATGATAAAGCATGC-3'
Protein context (NP_055494.2, residues 127-147): QELTSQLLAA[Glu137Ala]NKCNLLEKQL